The following is an entry in ClinVar:

ClinVar aggregate classification (germline): Uncertain significance (1 of 4 stars; one submission).

Conditions:
Microcephaly-intellectual disability-sensorineural hearing loss-epilepsy-abnormal muscle tone syndrome (NEDHSB). Also called: NEURODEVELOPMENTAL DISORDER WITH HEARING LOSS, SEIZURES, AND BRAIN ABNORMALITIES. Identifiers: Orphanet 457351, MedGen C4225276, MONDO:0014698, OMIM 616577.

Allele frequency attached by ClinVar (database versions not stated): TOPMed below 0.00001; gnomAD exomes 0.00001.
gnomAD v4.1: 12 of 1,614,190 alleles (0.00074%); highest among the groups gnomAD compares: Non-Finnish European, 0.001%; no homozygotes.

Submission:

Labcorp Genetics (formerly Invitae), Labcorp
Classification: Uncertain significance for Microcephaly-intellectual disability-sensorineural hearing loss-epilepsy-abnormal muscle tone syndrome. Last evaluated: 2022-02-05. Review status: criteria provided, single submitter. Criteria: Invitae Variant Classification Sherloc (09022015). Collection method: clinical testing. Allele origin: germline.
Comment: This sequence change replaces threonine, which is neutral and polar, with isoleucine, which is neutral and non-polar, at codon 304 of the SPATA5 protein (p.Thr304Ile). This variant is not present in population databases (gnomAD no frequency). This variant has not been reported in the literature in individuals affected with SPATA5-related conditions. ClinVar contains an entry for this variant (Variation ID: 1059279). Advanced modeling of protein sequence and biophysical properties (such as structural, functional, and spatial information, amino acid conservation, physicochemical variation, residue mobility, and thermodynamic stability) performed at Invitae indicates that this missense variant is not expected to disrupt SPATA5 protein function. In summary, the available evidence is currently insufficient to determine the role of this variant in disease. Therefore, it has been classified as a Variant of Uncertain Significance.

NM_145207.3(AFG2A):c.911C>T (p.Thr304Ile)

Gene: AFG2A (AFG2 AAA ATPase homolog A; plus strand). Cytogenetic location: 4q28.1.
Variant type: single nucleotide variant.
Coding change: c.911C>T on transcript NM_145207.3 (MANE Select); coding-DNA position 911, C replaced by T.
Protein change: p.Thr304Ile; replaces threonine 304 with isoleucine.
Molecular consequence: missense variant.
Genome position (GRCh38, 1-based): chr4:122,934,502, C>T. VCF-style: chr4-122934502-C-T. GRCh37 (hg19) VCF-style: chr4-123855657-C-T.
Other names: c.908C>T, p.Thr303Ile (NM_001317799.2, NM_001345856.2); short protein forms T303I, T304I.
Identifiers: ClinVar variation 1059279 (VCV001059279.2), dbSNP rs1728952435, ClinGen allele CA358102486.